The following is an entry in ClinVar:

NM_016507.4(CDK12):c.1411G>C (p.Glu471Gln)

Gene: CDK12 (cyclin dependent kinase 12; plus strand). Cytogenetic location: 17q12.
Variant type: single nucleotide variant.
Coding change: c.1411G>C on transcript NM_016507.4 (MANE Select); coding-DNA position 1411, G replaced by C.
Protein change: p.Glu471Gln; replaces glutamic acid 471 with glutamine.
Molecular consequence: missense variant.
Genome position (GRCh38, 1-based): chr17:39,471,243, G>C. VCF-style: chr17-39471243-G-C. GRCh37 (hg19) VCF-style: chr17-37627496-G-C.
Other names: c.1411G>C, p.Glu471Gln (NM_015083.4); short protein forms E471Q.
Identifiers: ClinVar variation 4868542 (VCV004868542.1).

ClinVar aggregate classification (germline): Uncertain significance (1 of 4 stars; one submission).

Submission:

Ambry Genetics
Classification: Uncertain significance. Last evaluated: 2026-05-17. Review status: criteria provided, single submitter. Criteria: Ambry Variant Classification Scheme 2023. Collection method: clinical testing. Allele origin: germline.
Comment: The p.E471Q variant (also known as c.1411G>C), located in coding exon 2 of the CDK12 gene, results from a G to C substitution at nucleotide position 1411. The glutamic acid at codon 471 is replaced by glutamine, an amino acid with highly similar properties. This amino acid position is conserved. In addition, this alteration is predicted to be tolerated by in silico analysis. Based on the available evidence, the clinical significance of this variant remains unclear.